The following is an entry in ClinVar:

NM_001172509.2(SATB2):c.997C>T (p.Gln333Ter)

Gene: SATB2 (SATB homeobox 2; minus strand). Cytogenetic location: 2q33.1.
Variant type: single nucleotide variant.
Coding change: c.997C>T on transcript NM_001172509.2 (MANE Select); coding-DNA position 997, C replaced by T.
Protein change: p.Gln333Ter; replaces glutamine 333 with a stop codon.
Molecular consequence: nonsense.
Genome position (GRCh38, 1-based): chr2:199,348,877, G>A on the plus strand (C>T on the coding strand, the complement: SATB2 is on the minus strand). VCF-style: chr2-199348877-G-A. GRCh37 (hg19) VCF-style: chr2-200213600-G-A.
Other names: c.997C>T, p.Gln333Ter (NM_001172517.1, NM_015265.4); short protein forms Q333*.
Identifiers: ClinVar variation 504014 (VCV000504014.3), dbSNP rs1424984467, ClinGen allele CA350387621.

ClinVar aggregate classification (germline): Pathogenic (1 of 4 stars; one submission).

Submission:

GeneDx
Classification: Pathogenic. Last evaluated: 2026-01-21. Review status: criteria provided, single submitter. Criteria: GeneDx Variant Classification Process June 2021. Collection method: clinical testing. Allele origin: germline. Affected: yes.
Comment: Nonsense variant predicted to result in protein truncation or nonsense mediated decay in a gene for which loss of function is a known mechanism of disease; Not observed at significant frequency in large population cohorts (gnomAD); This variant is associated with the following publications: (PMID: 33409278, 33528536, 31021519)